The following is an entry in ClinVar:

NM_001127222.2(CACNA1A):c.6923G>A (p.Gly2308Asp)

Gene: CACNA1A (calcium voltage-gated channel subunit alpha1 A; minus strand). Cytogenetic location: 19p13.13.
Variant type: single nucleotide variant.
Coding change: c.6923G>A on transcript NM_001127222.2 (MANE Select); coding-DNA position 6923, G replaced by A.
Protein change: p.Gly2308Asp; replaces glycine 2308 with aspartic acid.
Molecular consequence: missense variant. On other transcripts: 3 prime UTR variant (3).
Genome position (GRCh38, 1-based): chr19:13,207,911, C>T on the plus strand (G>A on the coding strand, the complement: CACNA1A is on the minus strand). VCF-style: chr19-13207911-C-T. GRCh37 (hg19) VCF-style: chr19-13318725-C-T.
Other names: c.*135G>A (NM_000068.4, NM_001127221.2, NM_001174080.2); c.6941G>A, p.Gly2314Asp (NM_023035.3); short protein forms G2308D, G2314D.
Identifiers: ClinVar variation 2649380 (VCV002649380.24), dbSNP rs2512508461, ClinGen allele CA404328811.

ClinVar aggregate classification (germline): Uncertain significance (1 of 4 stars; one submission).

Allele frequency attached by ClinVar (database versions not stated): gnomAD exomes below 0.00001.
gnomAD v4.1: 3 of 1,466,216 alleles (0.0002%); highest among the groups gnomAD compares: South Asian, 0.0014%; no homozygotes.

Submission:

CeGaT Center for Human Genetics Tuebingen
Classification: Uncertain significance. Last evaluated: 2023-09-01. Review status: criteria provided, single submitter. Criteria: CeGaT Center For Human Genetics Tuebingen Variant Classification Criteria Version 2. Collection method: clinical testing. Allele origin: germline. Affected: yes. Observed: 1 variant allele.
Comment: CACNA1A: PM2, PP3